The following is an entry in ClinVar:

ClinVar aggregate classification (germline): Pathogenic. Review status: criteria provided, multiple submitters, no conflicts (2 of 4 stars). 6 submissions from 6 submitters: Pathogenic (3). 3 of the submissions do not count toward it. Last evaluated 2025-04-01.

Conditions:
CSPP1-related disorder. Also called: CSPP1-related condition.
Joubert syndrome 21 (JBTS21). Identifiers: MedGen C3810212, MONDO:0014288, OMIM 615636.
Meckel-Gruber syndrome. Also called: DYSENCEPHALIA SPLANCHNOCYSTICA; GRUBER SYNDROME; Dysencephalia splachnocystica. Identifiers: Orphanet 564, MedGen C0265215, MONDO:0018921.

Submissions (6):

Labcorp Genetics (formerly Invitae), Labcorp
Classification: Pathogenic for Joubert syndrome 21. Last evaluated: 2025-04-01. Review status: criteria provided, single submitter. Criteria: Invitae Variant Classification Sherloc (09022015). Collection method: clinical testing. Allele origin: germline.
Comment: This sequence change creates a premature translational stop signal (p.Glu750Lysfs*7) in the CSPP1 gene. It is expected to result in an absent or disrupted protein product. Loss-of-function variants in CSPP1 are known to be pathogenic (PMID: 24360807, 24360808). This variant is not present in population databases (gnomAD no frequency). This premature translational stop signal has been observed in individual(s) with clinical features of CSPP1-related conditions (PMID: 24360803). ClinVar contains an entry for this variant (Variation ID: 100674). For these reasons, this variant has been classified as Pathogenic.

GeneDx
Classification: Pathogenic. Last evaluated: 2022-06-30. Review status: criteria provided, single submitter. Criteria: GeneDx Variant Classification Process June 2021. Collection method: clinical testing. Allele origin: germline. Affected: yes.
Comment: Frameshift variant predicted to result in protein truncation or nonsense mediated decay in a gene for which loss-of-function is a known mechanism of disease; Not observed in large population cohorts (gnomAD); This variant is associated with the following publications: (PMID: 26077850, 24360803, 25997910, 34645488)

Genetic Services Laboratory, University of Chicago
Classification: Pathogenic for Joubert syndrome 21. Last evaluated: 2014-10-01. Review status: criteria provided, single submitter. Criteria: ACMG Guidelines, 2015. Collection method: clinical testing. Allele origin: germline. Affected: yes.

PreventionGenetics, part of Exact Sciences
Classification: Pathogenic for CSPP1-related condition. Last evaluated: 2024-04-26. Review status: no assertion criteria provided. Collection method: clinical testing. Allele origin: germline. Not counted in ClinVar's aggregate classification.
Comment: The CSPP1 c.2244_2247delAAGA variant is predicted to result in a frameshift and premature protein termination (p.Glu750Lysfs*7). This variant was reported in multiple individuals with ciliopathies (Shaheen et al 2014. PubMed ID: 24360803; Alazami et al 2014. PubMed ID: 25558065, Table S1; Ben-Omran et al 2015. PubMed ID: 25997910; Shamseldin et al 2021. PubMed ID: 34645488, Table S1). This variant has not been reported in a large population database, indicating this variant is rare. Frameshift variants in CSPP1 are expected to be pathogenic. This variant is interpreted as pathogenic.

Genomic Medicine Center of Excellence, King Faisal Specialist Hospital and Research Centre
Classification: Likely pathogenic for Meckel-Gruber syndrome. Last evaluated: 2014-12-01. Review status: no assertion criteria provided. Criteria: research. Collection method: research. Allele origin: germline. Affected: yes. Not counted in ClinVar's aggregate classification.

OMIM
Classification: Pathogenic for JOUBERT SYNDROME 21. Last evaluated: 2014-01-02. Review status: no assertion criteria provided. Collection method: literature only. Allele origin: germline. Not counted in ClinVar's aggregate classification.

Literature cited by the submitters: PubMed 24360807 (cited by Labcorp Genetics (formerly Invitae), Labcorp); PubMed 24360808 (cited by Labcorp Genetics (formerly Invitae), Labcorp); PubMed 24360803 (cited by Labcorp Genetics (formerly Invitae), Labcorp and OMIM); PubMed 25558065 (cited by Genomic Medicine Center of Excellence, King Faisal Specialist Hospital and Research Centre).

NM_001382391.1(CSPP1):c.2259_2262del (p.Glu755fs)

Gene: CSPP1 (centrosome and spindle pole associated protein 1; plus strand). Cytogenetic location: 8q13.2.
Variant type: Deletion.
Coding change: c.2259_2262del on transcript NM_001382391.1 (MANE Select); coding-DNA positions 2259 to 2262, 4 bases deleted (AAGA; older notation c.2259_2262delAAGA).
Protein change: p.Glu755fs; shifts the reading frame from glutamic acid 755.
Molecular consequence: frameshift variant.
Genome position (GRCh38, 1-based): chr8:67,158,464-67,158,467, AAGA deleted; deleting any 4 consecutive bases within chr8:67,158,463-67,158,467 gives the same sequence; the c. name uses the placement nearest the transcript's 3' end. VCF-style (leftmost placement, unchanged base first): chr8-67158462-CAAAG-C. GRCh37 (hg19) VCF-style: chr8-68070697-CAAAG-C.
Other names: c.2244_2247delAAGA (NM_024790.6); c.1209_1212del, p.Glu405fs (NM_001291339.2); c.2178_2181del, p.Glu728fs (NM_001363131.2); c.2064_2067del, p.Glu690fs (NM_001363132.2); c.1983_1986del, p.Glu663fs (NM_001363133.2); c.2325_2328del, p.Glu777fs (NM_001364869.1); c.2145_2148del, p.Glu717fs (NM_001364870.1); c.2244_2247delAAGA, p.Glu750Lysfs (NM_024790.7); short protein forms E405fs, E690fs, E717fs, E728fs, E777fs, E663fs, E755fs.
Identifiers: ClinVar variation 100674 (VCV000100674.11), dbSNP rs587777145, ClinGen allele CA150615.
Genomic context (GRCh38, chr8:67,158,462, plus strand): 5'-TTTTCAATAGTTTTACAAGATAAATAACTAAGTTTAATTCTTTAGATTGAGGAAAAGAAA[CAAAG>C]AGAGGAAGCAGAGCGAGAGAGACTGAGAATTGCAGAAGAAAAAGAAGAAAGACGGCTTGC-3'